The following is an entry in ClinVar:

NM_000059.4(BRCA2):c.9060dup (p.Glu3021Ter)

Gene: BRCA2 (BRCA2 DNA repair associated; plus strand). Cytogenetic location: 13q13.1.
Variant type: Duplication.
Coding change: c.9060dup on transcript NM_000059.4 (MANE Select); coding-DNA position 9060, one base duplicated (T; older notation c.9060dupT).
Protein change: p.Glu3021Ter; replaces glutamic acid 3021 with a stop codon.
Molecular consequence: nonsense.
Genome position (GRCh38, 1-based): chr13:32,379,856, T duplicated. VCF-style (leftmost placement, unchanged base first): chr13-32379855-C-CT. GRCh37 (hg19) VCF-style: chr13-32953992-C-CT.
Other names: 9288insTT; short protein forms E3021*.
Identifiers: ClinVar variation 267135 (VCV000267135.5), dbSNP rs397507418, ClinGen allele CA10589543.

ClinVar aggregate classification (germline): Pathogenic. Review status: reviewed by expert panel (3 of 4 stars). 2 submissions from 2 submitters: Pathogenic (1). 1 of the submissions does not count toward it. Last evaluated 2016-10-18.

Conditions:
Breast-ovarian cancer, familial, susceptibility to, 2 (BROVCA2). Also called: BRCA2 Hereditary Breast and Ovarian Cancer. Identifiers: Orphanet 145, MedGen C2675520, MONDO:0012933, OMIM 612555. Disease mechanism: loss of function.

Submissions (2):

Evidence-based Network for the Interpretation of Germline Mutant Alleles (ENIGMA)
Classification: Pathogenic for Breast-ovarian cancer, familial, susceptibility to, 2. Last evaluated: 2016-10-18. Review status: reviewed by expert panel. Criteria: ENIGMA BRCA1/2 Classification Criteria (2015). Collection method: curation. Allele origin: germline.
Comment: Variant allele predicted to encode a truncated non-functional protein.

Consortium of Investigators of Modifiers of BRCA1/2 (CIMBA), c/o University of Cambridge
Classification: Pathogenic for Breast-ovarian cancer, familial, susceptibility to, 2. Last evaluated: 2015-10-02. Review status: criteria provided, single submitter. Criteria: CIMBA Mutation Classification guidelines May 2016. Collection method: clinical testing. Allele origin: germline. Not counted in ClinVar's aggregate classification.